The following is an entry in ClinVar:

ClinVar aggregate classification (germline): Pathogenic (1 of 4 stars; one submission).

Conditions:
Neurofibromatosis, type 1 (NF1). Also called: VON RECKLINGHAUSEN DISEASE; Peripheral type neurofibromatosis; NEUROFIBROMATOSIS, TYPE I, SOMATIC; Neurofibromatosis, type I. Identifiers: Orphanet 636, MedGen C0027831, MONDO:0018975, OMIM 162200. Disease mechanism: loss of function.

Submission:

Labcorp Genetics (formerly Invitae), Labcorp
Classification: Pathogenic for Neurofibromatosis, type 1. Last evaluated: 2025-11-19. Review status: criteria provided, single submitter. Criteria: Invitae Variant Classification Sherloc (09022015). Collection method: clinical testing. Allele origin: germline.
Comment: This sequence change creates a premature translational stop signal (p.Gly520Tyrfs*36) in the NF1 gene. It is expected to result in an absent or disrupted protein product. Loss-of-function variants in NF1 are known to be pathogenic (PMID: 10712197, 23913538). This variant is not present in population databases (gnomAD no frequency). This variant has not been reported in the literature in individuals affected with NF1-related conditions. For these reasons, this variant has been classified as Pathogenic.

Literature cited by the submitters: PubMed 10712197; PubMed 23913538.

NM_001042492.3(NF1):c.1558_1562del (p.Gly520fs)

Gene: NF1 (neurofibromin 1; plus strand). Cytogenetic location: 17q11.2.
Variant type: Deletion.
Coding change: c.1558_1562del on transcript NM_001042492.3 (MANE Select); coding-DNA positions 1558 to 1562, 5 bases deleted (GGCAG; older notation c.1558_1562delGGCAG).
Protein change: p.Gly520fs; shifts the reading frame from glycine 520.
Molecular consequence: frameshift variant.
Genome position (GRCh38, 1-based): chr17:31,219,035-31,219,039, GGCAG deleted. VCF-style (leftmost placement, unchanged base first): chr17-31219034-AGGCAG-A. GRCh37 (hg19) VCF-style: chr17-29546052-AGGCAG-A.
Other names: c.1558_1562del, p.Gly520fs (NM_000267.4, NM_001128147.3); short protein forms G520fs.
Identifiers: ClinVar variation 4731525 (VCV004731525.1).